The following is an entry in ClinVar:

NM_000349.3(STAR):c.65-12_68del

Gene: STAR (steroidogenic acute regulatory protein; minus strand). Cytogenetic location: 8p11.23.
Variant type: Deletion.
Coding change: c.65-12_68del on transcript NM_000349.3 (MANE Select); 12 bases into the intron before coding-DNA position 65 through coding-DNA position 68, 16 bases deleted (TCCCTTCTGCAGGGCT).
Molecular consequence: splice acceptor variant.
Genome position (GRCh38, 1-based): chr8:38,148,751-38,148,766, AGCCCTGCAGAAGGGA deleted on the plus strand (TCCCTTCTGCAGGGCT on the coding strand, the reverse complement: STAR is on the minus strand); deleting any 16 consecutive bases within chr8:38,148,751-38,148,767 gives the same sequence; the c. name uses the placement nearest the transcript's 3' end. VCF-style (leftmost placement, unchanged base first): chr8-38148750-CAGCCCTGCAGAAGGGA-C. GRCh37 (hg19) VCF-style: chr8-38006268-CAGCCCTGCAGAAGGGA-C.
Identifiers: ClinVar variation 1691341 (VCV001691341.2), dbSNP rs2130617665, ClinGen allele CA2573142772.
Genomic context (GRCh38, chr8:38,148,750, plus strand): 5'-GGGGCCCCCCAGGGCCCTCCGGTTCAGCTCCTGGCTGATGGCCATCACAGCCTGTTGCCT[CAGCCCTGCAGAAGGGA>C]ATAACCCTTGTCTAGGAGCTGGAAAGCCCCTTAGAGATGGACCACTCCCACCCCCTCATC-3'

ClinVar aggregate classification (germline): Pathogenic (1 of 4 stars; one submission).

Submission:

Seattle Children's Hospital Molecular Genetics Laboratory, Seattle Children's Hospital
Classification: Pathogenic. Last evaluated: 2019-12-16. Review status: criteria provided, single submitter. Criteria: ACMG Guidelines, 2015. Collection method: clinical testing. Allele origin: germline. Affected: yes.
Comment: The STAR c.65-12_68del variant spans the splice site junction, including the last 12 bases on intron 1 and the first 4 bases of exon 2. The consequence of this change on protein function is not known but it is predicted to be damaging. It is a novel genetic variant that has not been reported in medical literature or patient databases. This variant has not been observed in presumably healthy controls in the Genome Aggregation Database. While this variant appears to be novel, other pathogenic variants that impact splicing of STAR have been reported.